The following is an entry in ClinVar:

NM_000543.5(SMPD1):c.1446C>A (p.Phe482Leu)

Gene: SMPD1 (sphingomyelin phosphodiesterase 1; plus strand). Cytogenetic location: 11p15.4.
Variant type: single nucleotide variant.
Coding change: c.1446C>A on transcript NM_000543.5 (MANE Select); coding-DNA position 1446, C replaced by A.
Protein change: p.Phe482Leu; replaces phenylalanine 482 with leucine.
Molecular consequence: missense variant. On other transcripts: non-coding transcript variant (2).
Genome position (GRCh38, 1-based): chr11:6,394,001, C>A. VCF-style: chr11-6394001-C-A. GRCh37 (hg19) VCF-style: chr11-6415231-C-A.
Other names: c.1443C>A, p.Phe481Leu (NM_001007593.3); c.1446C>A, p.Phe482Leu (NM_001318087.2); c.525C>A, p.Phe175Leu (NM_001318088.2); c.1314C>A, p.Phe438Leu (NM_001365135.2); short protein forms F175L, F438L, F481L, F482L.
Identifiers: ClinVar variation 4687223 (VCV004687223.1).

ClinVar aggregate classification (germline): Uncertain significance (1 of 4 stars; one submission).

Submission:

Women's Health and Genetics/Laboratory Corporation of America, LabCorp
Classification: Uncertain significance. Last evaluated: 2025-10-17. Review status: criteria provided, single submitter. Criteria: LabCorp Variant Classification Summary - May 2015. Collection method: clinical testing. Allele origin: germline.
Comment: Variant summary: SMPD1 c.1446C>A (p.Phe482Leu) results in a non-conservative amino acid change in the encoded protein sequence. Algorithms developed to predict the effect of missense changes on protein structure and function are either unavailable or do not agree on the potential impact of this missense change. The variant was absent in 251472 control chromosomes. c.1446C>A has been observed in the presumed compound heterozygous state in at least 1 individual(s) affected with Niemann-Pick Disease (Reunert_2016), as well as in an unknown zygosity in individual(s) from a cohort with Niemann-Pick disease of Brazilian/Portuguese ancestry (Simonaro_2002). These data indicate that the variant may be associated with disease. To our knowledge, no experimental evidence demonstrating an impact on protein function has been reported. The following publications have been ascertained in the context of this evaluation (PMID: 38715125, 27725636, 38866761, 40106870, 23356216, 33971920, 12369017, 38782304, 26981555, 26499107, 27435900). No submitters have cited clinical-significance assessments for this variant to ClinVar. Based on the evidence outlined above, the variant was classified as VUS-possibly pathogenic.

Literature cited by the submitters: PubMed 12369017; PubMed 23356216; PubMed 26499107; PubMed 26981555; PubMed 27725636; PubMed 27435900; PubMed 38866761; PubMed 38782304; PubMed 40106870; PubMed 38715125; PubMed 33971920.